The following is an entry in ClinVar:

NM_002317.7(LOX):c.893T>G (p.Met298Arg)

Genes: LOX (lysyl oxidase; minus strand), SRFBP1 (serum response factor binding protein 1; plus strand). Cytogenetic location: 5q23.1.
Variant type: single nucleotide variant.
Coding change: c.893T>G on transcript NM_002317.7 (MANE Select); coding-DNA position 893, T replaced by G.
Protein change: p.Met298Arg; replaces methionine 298 with arginine.
Molecular consequence: missense variant. On other transcripts: initiator codon variant (1).
Genome position (GRCh38, 1-based): chr5:122,074,155, A>C on the plus strand (T>G on the coding strand, the complement: LOX is on the minus strand). VCF-style: chr5-122074155-A-C. GRCh37 (hg19) VCF-style: chr5-121409850-A-C.
Other names: c.203T>G, p.Met68Arg (NM_001178102.2); c.2T>G, p.Met1Arg (NM_001317073.1); short protein forms M298R, M68R, M1R.
Identifiers: ClinVar variation 228806 (VCV000228806.11), dbSNP rs876657852, ClinGen allele CA10576645.

ClinVar aggregate classification (germline): Pathogenic/Likely pathogenic. Review status: criteria provided, multiple submitters, no conflicts (2 of 4 stars). 5 submissions from 5 submitters: Pathogenic (3); Likely pathogenic (1). 1 of the submissions does not count toward it. Last evaluated 2022-01-31.

Conditions:
Familial thoracic aortic aneurysm and aortic dissection (TAAD). Also called: Thoracic aortic aneurysms and dissections. Identifiers: Orphanet 91387, MedGen C4707243, MONDO:0019625.
Aortic aneurysm, familial thoracic 10 (AAT10). Identifiers: MedGen C4284414, MONDO:0014950, OMIM 617168.
LOX-related disorder. Also called: LOX-related disorders; LOX-related condition.

Allele frequency attached by ClinVar (database versions not stated): gnomAD exomes below 0.00001.
gnomAD v4.1: 2 of 1,614,074 alleles (0.00012%); highest among the groups gnomAD compares: Non-Finnish European, 0.00017%; no homozygotes.

Submissions (5):

Blueprint Genetics
Classification: Pathogenic for LOX-related disorders. Last evaluated: 2022-01-31. Review status: criteria provided, single submitter. Criteria: ACMG Guidelines, 2015. Collection method: clinical testing. Allele origin: germline. Affected: yes. Observed: 5 variant alleles.

Centre of Medical Genetics, University of Antwerp
Classification: Pathogenic for Aortic aneurysm, familial thoracic 10. Last evaluated: 2021-02-19. Review status: criteria provided, single submitter. Criteria: ACMG Guidelines, 2015. Collection method: research. Allele origin: unknown. Affected: yes.
Comment: PP3, PM1, PM2, PS1, PS3

Laboratory for Molecular Medicine, Mass General Brigham Personalized Medicine
Classification: Likely pathogenic for Familial thoracic aortic aneurysm and aortic dissection. Last evaluated: 2021-01-25. Review status: criteria provided, single submitter. Criteria: LMM Criteria. Collection method: clinical testing. Allele origin: germline. Inheritance: Autosomal dominant inheritance. Observed: 2 variant alleles.
Comment: The p.Met298Arg variant in LOX has been reported in 1 individual with thoracic aortic aneurysms and dissections (TAAD) and segregated with TAAD in 3 affected relatives. This variant has also been reported by other clinical laboratories in ClinVar (Variation ID: 228806) and was absent from large population studies. A mouse model provides some evidence that this variant causes TAAD (Lee 2016 PMID: 27432961). Furthermore, this variant is located in the LOX catalytic domain, which is relatively invariant in the general population and is where all disease-causing missense variants have been located to date (Guo 2016 PMID: 26838787). Computational prediction tools and conservation analysis are consistent with pathogenicity. In summary, although additional studies are required to fully establish its clinical significance, this variant is likely pathogenic. ACMG/AMP Criteria applied: PP1, PM2_Supporting, PS3_Moderate, PM1, PP3.

Fulgent Genetics
Classification: Pathogenic for Aortic aneurysm, familial thoracic 10. Last evaluated: 2018-10-31. Review status: criteria provided, single submitter. Criteria: ACMG Guidelines, 2015. Collection method: clinical testing. Allele origin: unknown.

OMIM
Classification: Pathogenic for AORTIC ANEURYSM, FAMILIAL THORACIC 10. Last evaluated: 2016-10-24. Review status: no assertion criteria provided. Collection method: literature only. Allele origin: germline. Not counted in ClinVar's aggregate classification.

Literature cited by the submitters: PubMed 34281165 (cited by Centre of Medical Genetics, University of Antwerp); PubMed 27432961 (cited by Laboratory for Molecular Medicine, Mass General Brigham Personalized Medicine and OMIM); PubMed 26838787 (cited by Laboratory for Molecular Medicine, Mass General Brigham Personalized Medicine).